The following is an entry in ClinVar:

ClinVar aggregate classification (germline): Benign/Likely benign. Review status: criteria provided, multiple submitters, no conflicts (2 of 4 stars). 2 submissions from 2 submitters: Benign (1); Likely benign (1). Last evaluated 2024-10-21.

Submissions (2):

Blueprint Genetics
Classification: Likely benign. Last evaluated: 2024-10-21. Review status: criteria provided, single submitter. Criteria: ACMG Guidelines, 2015. Collection method: clinical testing. Allele origin: germline.

Mayo Clinic Laboratories, Mayo Clinic
Classification: Benign. Last evaluated: 2024-09-20. Review status: criteria provided, single submitter. Criteria: ACMG Guidelines, 2015. Collection method: clinical testing. Allele origin: germline. Observed: 4 variant alleles.
Comment: BA1, BP4, BP7

NM_172362.3(KCNH1):c.80-8_80-6del

Gene: KCNH1 (potassium voltage-gated channel subfamily H member 1; minus strand). Cytogenetic location: 1q32.2.
Variant type: Deletion.
Coding change: c.80-8_80-6del on transcript NM_172362.3 (MANE Select); 8 bases into the intron before coding-DNA position 80 through 6 bases into the intron before coding-DNA position 80, 3 bases deleted (TTT; older notation c.80-8_80-6delTTT).
Molecular consequence: intron variant.
Genome position (GRCh38, 1-based): chr1:211,107,383-211,107,385, AAA deleted on the plus strand (TTT on the coding strand, the reverse complement: KCNH1 is on the minus strand); deleting any 3 consecutive bases within chr1:211,107,383-211,107,396 gives the same sequence; the c. name uses the placement nearest the transcript's 3' end. VCF-style (leftmost placement, unchanged base first): chr1-211107382-TAAA-T. GRCh37 (hg19) VCF-style: chr1-211280724-TAAA-T.
Other names: p.?; c.80-8_80-6del (NM_002238.4).
Identifiers: ClinVar variation 4684126 (VCV004684126.2).